The following is an entry in ClinVar:

NM_000059.4(BRCA2):c.5003C>G (p.Ala1668Gly)

Gene: BRCA2 (BRCA2 DNA repair associated; plus strand). Cytogenetic location: 13q13.1.
Variant type: single nucleotide variant.
Coding change: c.5003C>G on transcript NM_000059.4 (MANE Select); coding-DNA position 5003, C replaced by G.
Protein change: p.Ala1668Gly; replaces alanine 1668 with glycine.
Molecular consequence: missense variant.
Genome position (GRCh38, 1-based): chr13:32,339,358, C>G. VCF-style: chr13-32339358-C-G. GRCh37 (hg19) VCF-style: chr13-32913495-C-G.
Other names: short protein forms A1668G.
Identifiers: ClinVar variation 51754 (VCV000051754.5), dbSNP rs80358724, ClinGen allele CA021128.

ClinVar aggregate classification (germline): Likely benign. Review status: criteria provided, single submitter (1 of 4 stars). 2 submissions from 2 submitters: Likely benign (1). 1 of the submissions does not count toward it. Last evaluated 2023-03-23.

Conditions:
Hereditary cancer-predisposing syndrome. Also called: Neoplastic Syndromes, Hereditary; Tumor predisposition; Hereditary neoplastic syndrome; Hereditary Cancer Syndrome. Identifiers: Orphanet 140162, MedGen C0027672, MeSH D009386, MONDO:0015356.
Breast-ovarian cancer, familial, susceptibility to, 2 (BROVCA2). Also called: BRCA2 Hereditary Breast and Ovarian Cancer. Identifiers: Orphanet 145, MedGen C2675520, MONDO:0012933, OMIM 612555. Disease mechanism: loss of function.

gnomAD v4.1: 1 of 1,590,330 alleles (0.000063%); highest among the groups gnomAD compares: South Asian, 0.0012%; no homozygotes.

Submissions (2):

University of Washington Department of Laboratory Medicine, University of Washington
Classification: Likely benign for Hereditary cancer-predisposing syndrome. Last evaluated: 2023-03-23. Review status: criteria provided, single submitter. Criteria: Dines et al. (Genet Med. 2020). Collection method: curation. Allele origin: germline.
Comment: Missense variant in a coldspot region where missense variants are very unlikely to be pathogenic (PMID:31911673).

BRCA2 exon 11 coldspot. Reclassification based on statistical prior probability.

Breast Cancer Information Core (BIC) (BRCA2)
Classification: Uncertain significance for Breast-ovarian cancer, familial 2. Last evaluated: 2004-02-20. Review status: no assertion criteria provided. Collection method: clinical testing. Allele origin: germline. Affected: yes. Observed: 1 variant allele. Not counted in ClinVar's aggregate classification.